The following is an entry in ClinVar:

ClinVar aggregate classification (germline): Uncertain significance (1 of 4 stars; one submission).

Submission:

GeneDx
Classification: Uncertain significance. Last evaluated: 2026-03-27. Review status: criteria provided, single submitter. Criteria: GeneDx Variant Classification Process June 2021. Collection method: clinical testing. Allele origin: germline.
Comment: Not observed at significant frequency in large population cohorts (gnomAD); In silico analysis suggests that this missense variant does not alter protein structure/function; Has not been previously published as pathogenic or benign to our knowledge

NM_001282874.2(SMARCA1):c.95C>A (p.Ser32Tyr)

Gene: SMARCA1 (SNF2 related chromatin remodeling ATPase 1; minus strand). Cytogenetic location: Xq26.1.
Variant type: single nucleotide variant.
Coding change: c.95C>A on transcript NM_001282874.2 (MANE Select); coding-DNA position 95, C replaced by A.
Protein change: p.Ser32Tyr; replaces serine 32 with tyrosine.
Molecular consequence: missense variant.
Genome position (GRCh38, 1-based): chrX:129,523,276, G>T on the plus strand (C>A on the coding strand, the complement: SMARCA1 is on the minus strand). VCF-style: chrX-129523276-G-T. GRCh37 (hg19) VCF-style: chrX-128657253-G-T.
Other names: c.95C>A, p.Ser32Tyr (NM_001282875.2, NM_001378261.1, NM_001378262.1 and 3 more transcripts); short protein forms S32Y.
Identifiers: ClinVar variation 5017077 (VCV005017077.1).